The following is an entry in ClinVar:

ClinVar aggregate classification (germline): Likely benign (0 of 4 stars; one submission).

Conditions:
CUL4B-related disorder. Also called: CUL4B-related condition.

Submission:

PreventionGenetics, part of Exact Sciences
Classification: Likely benign for CUL4B-related condition. Last evaluated: 2024-07-02. Review status: no assertion criteria provided. Collection method: clinical testing. Allele origin: germline.
Comment: This variant is classified as likely benign based on ACMG/AMP sequence variant interpretation guidelines (Richards et al. 2015 PMID: 25741868, with internal and published modifications).

NM_001079872.2(CUL4B):c.2415C>A (p.Ile805=)

Gene: CUL4B (cullin 4B; minus strand). Cytogenetic location: Xq24.
Variant type: single nucleotide variant.
Coding change: c.2415C>A on transcript NM_001079872.2 (MANE Select); coding-DNA position 2415, C replaced by A.
Protein change: p.Ile805=; no amino-acid change (isoleucine 805 retained).
Molecular consequence: synonymous variant.
Genome position (GRCh38, 1-based): chrX:120,532,446, G>T on the plus strand (C>A on the coding strand, the complement: CUL4B is on the minus strand). VCF-style: chrX-120532446-G-T. GRCh37 (hg19) VCF-style: chrX-119666301-G-T.
Other names: c.2430C>A, p.Ile810= (NM_001330624.2); c.1881C>A, p.Ile627= (NM_001369145.1); c.2469C>A, p.Ile823= (NM_003588.4).
Identifiers: ClinVar variation 3346908 (VCV003346908.1).